The following is an entry in ClinVar:

NM_138773.4(SLC25A46):c.597A>G (p.Ile199Met)

Gene: SLC25A46 (solute carrier family 25 member 46; plus strand). Cytogenetic location: 5q22.1.
Variant type: single nucleotide variant.
Coding change: c.597A>G on transcript NM_138773.4 (MANE Select); coding-DNA position 597, A replaced by G.
Protein change: p.Ile199Met; replaces isoleucine 199 with methionine.
Molecular consequence: missense variant. On other transcripts: non-coding transcript variant (1).
Genome position (GRCh38, 1-based): chr5:110,755,498, A>G. VCF-style: chr5-110755498-A-G. GRCh37 (hg19) VCF-style: chr5-110091198-A-G.
Other names: p.Ile199Met; c.597A>G, p.Ile199Met (NM_001303249.3); c.324A>G, p.Ile108Met (NM_001303250.3); short protein forms I108M, I199M.
Identifiers: ClinVar variation 853760 (VCV000853760.8), dbSNP rs924688251, ClinGen allele CA125344323.

ClinVar aggregate classification (germline): Uncertain significance. Review status: criteria provided, multiple submitters, no conflicts (2 of 4 stars). 2 submissions from 2 submitters: Uncertain significance (2). Last evaluated 2022-05-13.

Conditions:
Neuropathy, hereditary motor and sensory, type 6B (HMSN6B). Also called: Neuropathy, hereditary motor and sensory, type VIB; NEUROPATHY, HEREDITARY MOTOR AND SENSORY, TYPE VIB, WITH OPTIC ATROPHY; HMSN VIB; CHARCOT-MARIE-TOOTH DISEASE, TYPE 6B. Identifiers: MedGen C4225302, MONDO:0014671, OMIM 616505.

Allele frequency attached by ClinVar (database versions not stated): gnomAD exomes below 0.00001; gnomAD 0.00001; TOPMed 0.00001.
gnomAD v4.1: 3 of 1,575,380 alleles (0.00019%); highest among the groups gnomAD compares: Non-Finnish European, 0.00026%; no homozygotes.

Submissions (2):

Mayo Clinic Laboratories, Mayo Clinic
Classification: Uncertain significance. Last evaluated: 2022-05-13. Review status: criteria provided, single submitter. Criteria: ACMG Guidelines, 2015. Collection method: clinical testing. Allele origin: germline. Observed: 1 variant allele.

Labcorp Genetics (formerly Invitae), Labcorp
Classification: Uncertain significance for Neuropathy, hereditary motor and sensory, type 6B. Last evaluated: 2021-08-28. Review status: criteria provided, single submitter. Criteria: Invitae Variant Classification Sherloc (09022015). Collection method: clinical testing. Allele origin: germline.
Comment: This sequence change replaces isoleucine with methionine at codon 199 of the SLC25A46 protein (p.Ile199Met). The isoleucine residue is moderately conserved and there is a small physicochemical difference between isoleucine and methionine. This variant is not present in population databases (ExAC no frequency). This variant has not been reported in the literature in individuals affected with SLC25A46-related conditions. Algorithms developed to predict the effect of missense changes on protein structure and function (SIFT, PolyPhen-2, Align-GVGD) all suggest that this variant is likely to be tolerated. In summary, the available evidence is currently insufficient to determine the role of this variant in disease. Therefore, it has been classified as a Variant of Uncertain Significance.